The following is an entry in ClinVar:

ClinVar aggregate classification (germline): Conflicting classifications of pathogenicity. Review status: criteria provided, conflicting classifications (1 of 4 stars). 3 submissions from 3 submitters: Uncertain significance (1); Benign (1); Likely benign (1). Last evaluated 2026-01-28.

Conditions:
Hereditary cancer-predisposing syndrome. Also called: Neoplastic Syndromes, Hereditary; Tumor predisposition; Hereditary Cancer Syndrome; Hereditary neoplastic syndrome. Identifiers: Orphanet 140162, MedGen C0027672, MeSH D009386, MONDO:0015356.
Hereditary breast ovarian cancer syndrome. Also called: Hereditary breast and ovarian cancer; Hereditary breast and ovarian cancer syndrome (HBOC); Breast and ovarian cancer; Hereditary breast and/or ovarian cancer syndrome; BRCA1- and BRCA2-Associated Hereditary Breast and Ovarian Cancer; Hereditary breast and ovarian cancer syndrome. Identifiers: Orphanet 145, MedGen C0677776, MeSH D061325, MONDO:0003582. Disease mechanism: loss of function.
Breast-ovarian cancer, familial, susceptibility to, 1 (BROVCA1). Also called: BRCA1 Hereditary Breast and Ovarian Cancer; OVARIAN CANCER, SUSCEPTIBILITY TO. Identifiers: Orphanet 145, MedGen C2676676, MONDO:0011450, OMIM 604370. Disease mechanism: loss of function.

Submissions (4):

Labcorp Genetics (formerly Invitae), Labcorp
Classification: Uncertain significance for Hereditary breast ovarian cancer syndrome. Last evaluated: 2026-01-28. Review status: criteria provided, single submitter. Criteria: Invitae Variant Classification Sherloc (09022015). Collection method: clinical testing. Allele origin: germline.
Comment: This sequence change affects codon 1802 of the BRCA1 mRNA. It is a 'silent' change, meaning that it does not change the encoded amino acid sequence of the BRCA1 protein. It affects a nucleotide within the consensus splice site. This variant is not present in population databases (gnomAD no frequency). This variant has not been reported in the literature in individuals affected with BRCA1-related conditions. ClinVar contains an entry for this variant (Variation ID: 868056). Algorithms developed to predict the effect of sequence changes on RNA splicing suggest that this variant is not likely to affect RNA splicing. In summary, the available evidence is currently insufficient to determine the role of this variant in disease. Therefore, it has been classified as a Variant of Uncertain Significance.

Ambry Genetics
Classification: Benign for Hereditary cancer-predisposing syndrome. Last evaluated: 2024-12-17. Review status: criteria provided, single submitter. Criteria: Ambry Variant Classification Scheme 2023. Collection method: clinical testing. Allele origin: germline.

All of Us Research Program, National Institutes of Health
Classification: Likely benign for Breast-ovarian cancer, familial, susceptibility to, 1. Last evaluated: 2024-01-22. Review status: criteria provided, single submitter. Criteria: ACMG Guidelines, 2015. Collection method: clinical testing. Allele origin: germline. Inheritance: Autosomal dominant inheritance. Observed: 1 variant allele, 1 heterozygote.
Comment: This study involves interpretation of variants in research participants for the purpose of population health screening. Participant phenotype was not available at the time of variant classification. Additional details can be found in publication PMID: 35346344, PMCID: PMC8962531

Brotman Baty Institute, University of Washington
No classification provided (evidence only). Condition: Breast-ovarian cancer, familial 1. Review status: no classification provided. Collection method: in vitro. Allele origin: not applicable. Functional consequence: functionally_normal. Not counted in ClinVar's aggregate classification.
ClinVar note: "not provided" was previously submitted as the classification for the variant. However, the classification appeared to be based only on an observation of functional data so it was converted to no classification on 2025-07-30.

NM_007294.4(BRCA1):c.5406A>G (p.Thr1802=)

Gene: BRCA1 (BRCA1 DNA repair associated; minus strand). Cytogenetic location: 17q21.31.
Variant type: single nucleotide variant.
Coding change: c.5406A>G on transcript NM_007294.4 (MANE Select); coding-DNA position 5406, A replaced by G.
Protein change: p.Thr1802=; no amino-acid change (threonine 1802 retained).
Molecular consequence: synonymous variant. On other transcripts: intron variant (19).
Genome position (GRCh38, 1-based): chr17:43,049,121, T>C on the plus strand (A>G on the coding strand, the complement: BRCA1 is on the minus strand). VCF-style: chr17-43049121-T-C. GRCh37 (hg19) VCF-style: chr17-41201138-T-C.
Other names: c.5070A>G, p.Thr1690= (NM_001407952.1, NM_001407953.1, NM_001407954.1 and 3 more transcripts); c.5067A>G, p.Thr1689= (NM_001407956.1, NM_001407957.1, NM_001407958.1); c.5025A>G, p.Thr1675= (NM_001407959.1); c.5022A>G, p.Thr1674= (NM_001407960.1, NM_001407962.1); c.5019A>G, p.Thr1673= (NM_001407963.1); c.4944A>G, p.Thr1648= (NM_001407964.1); c.4899A>G, p.Thr1633= (NM_001407965.1); c.4518A>G, p.Thr1506= (NM_001407966.1); and 84 more.
Identifiers: ClinVar variation 868056 (VCV000868056.6), dbSNP rs879255493, ClinGen allele CA500143273.
Genomic context (GRCh38, chr17:43,049,121, plus strand): 5'-GTCTTGCTCACAGGAGAGAATATTGTGTCCTCCCTCTCTGACAGGGCACCCAATACTTAC[T>C]GTGCCAAGGGTGAATGATGAAAGCTCCTTCACCACAGAAGCACCACACAGCTGTACCATC-3'
Protein context (NP_009225.1, residues 1792-1812): VKELSSFTLG[Thr1802=]GVHPIVVVQP